The following is an entry in ClinVar:

ClinVar aggregate classification (germline): Uncertain significance (1 of 4 stars; one submission).

Conditions:
Primary ciliary dyskinesia 33. Also called: CILIARY DYSKINESIA, PRIMARY, 33, WITHOUT SITUS INVERSUS. Identifiers: Orphanet 244, MedGen C4225230, MONDO:0014750, OMIM 616726.

Allele frequency attached by ClinVar (database versions not stated): gnomAD exomes below 0.00001.
gnomAD v4.1: 1 of 1,590,234 alleles (0.000063%); highest among the groups gnomAD compares: Non-Finnish European, 0.000086%; no homozygotes.

Submission:

Labcorp Genetics (formerly Invitae), Labcorp
Classification: Uncertain significance for Primary ciliary dyskinesia 33. Last evaluated: 2022-10-21. Review status: criteria provided, single submitter. Criteria: Invitae Variant Classification Sherloc (09022015). Collection method: clinical testing. Allele origin: germline.
Comment: Algorithms developed to predict the effect of sequence changes on RNA splicing suggest that this variant may disrupt the consensus splice site. This variant has not been reported in the literature in individuals affected with GAS8-related conditions. This variant is not present in population databases (gnomAD no frequency). This sequence change falls in intron 5 of the GAS8 gene. It does not directly change the encoded amino acid sequence of the GAS8 protein. In summary, the available evidence is currently insufficient to determine the role of this variant in disease. Therefore, it has been classified as a Variant of Uncertain Significance.

NM_001481.3(DRC4):c.551-16T>A

Gene: DRC4 (dynein regulatory complex subunit 4; plus strand). Cytogenetic location: 16q24.3.
Variant type: single nucleotide variant.
Coding change: c.551-16T>A on transcript NM_001481.3 (MANE Select); 16 bases into the intron before coding-DNA position 551, T replaced by A.
Molecular consequence: intron variant.
Genome position (GRCh38, 1-based): chr16:90,036,365, T>A. VCF-style: chr16-90036365-T-A. GRCh37 (hg19) VCF-style: chr16-90102773-T-A.
Other names: c.476-16T>A (NM_001286209.2); c.302-16T>A (NM_001286205.2); c.-26-16T>A (NM_001286208.2).
Identifiers: ClinVar variation 2809212 (VCV002809212.3), dbSNP rs2543486316, ClinGen allele CA2635096278.
Genomic context (GRCh38, chr16:90,036,365, plus strand): 5'-TACAGGCTCCATGTTCTGTAGCCGTAGGGGCACCACGTCTTCCTCTGCTAAGCTGCTGTT[T>A]GCTGCTGCCTTTCAGAAATTGAGGCCAAGTATGATAAGAAGATGAAGATGCTGAGGGACG-3'